The following is an entry in ClinVar:

NM_000143.4(FH):c.22C>G (p.Leu8Val)

Gene: FH (fumarate hydratase; minus strand). Cytogenetic location: 1q43.
Variant type: single nucleotide variant.
Coding change: c.22C>G on transcript NM_000143.4 (MANE Select); coding-DNA position 22, C replaced by G.
Protein change: p.Leu8Val; replaces leucine 8 with valine.
Molecular consequence: missense variant.
Genome position (GRCh38, 1-based): chr1:241,519,701, G>C on the plus strand (C>G on the coding strand, the complement: FH is on the minus strand). VCF-style: chr1-241519701-G-C. GRCh37 (hg19) VCF-style: chr1-241683001-G-C.
Other names: short protein forms L8V.
Identifiers: ClinVar variation 957316 (VCV000957316.10), dbSNP rs1660323820, ClinGen allele CA345443063.

ClinVar aggregate classification (germline): Uncertain significance (1 of 4 stars; one submission).

gnomAD v4.1: 1 of 1,546,848 alleles (0.000065%); highest among the groups gnomAD compares: South Asian, 0.0012%; no homozygotes.

Submission:

Labcorp Genetics (formerly Invitae), Labcorp
Classification: Uncertain significance. Last evaluated: 2019-07-23. Review status: criteria provided, single submitter. Criteria: Invitae Variant Classification Sherloc (09022015). Collection method: clinical testing. Allele origin: germline.
Comment: In summary, the available evidence is currently insufficient to determine the role of this variant in disease. Therefore, it has been classified as a Variant of Uncertain Significance. Algorithms developed to predict the effect of missense changes on protein structure and function output the following: SIFT: "Tolerated"; PolyPhen-2: "Not Available"; Align-GVGD: "Class C0". The valine amino acid residue is found in multiple mammalian species, suggesting that this missense change does not adversely affect protein function. These predictions have not been confirmed by published functional studies and their clinical significance is uncertain. This variant has not been reported in the literature in individuals with FH-related conditions. This variant is not present in population databases (ExAC no frequency). This sequence change replaces leucine with valine at codon 8 of the FH protein (p.Leu8Val). The leucine residue is moderately conserved and there is a small physicochemical difference between leucine and valine.